The following is an entry in ClinVar:

ClinVar aggregate classification (germline): Uncertain significance (1 of 4 stars; one submission).

Allele frequency attached by ClinVar (database versions not stated): gnomAD 0.00001; gnomAD exomes below 0.00001.
gnomAD v4.1: 7 of 1,594,286 alleles (0.00044%); highest among the groups gnomAD compares: Admixed American, 0.0018%; no homozygotes.

Submission:

Greenwood Genetic Center Diagnostic Laboratories, Greenwood Genetic Center
Classification: Uncertain significance. Last evaluated: 2021-09-28. Review status: criteria provided, single submitter. Criteria: ACMG Guidelines, 2015. Collection method: clinical testing. Allele origin: germline. Affected: yes.
Comment: PM2

NM_001267550.2(TTN):c.28154G>A (p.Ser9385Asn)

Gene: TTN (titin; minus strand). Cytogenetic location: 2q31.2.
Variant type: single nucleotide variant.
Coding change: c.28154G>A on transcript NM_001267550.2 (MANE Select); coding-DNA position 28154, G replaced by A.
Protein change: p.Ser9385Asn; replaces serine 9385 with asparagine.
Molecular consequence: missense variant. On other transcripts: intron variant (3).
Genome position (GRCh38, 1-based): chr2:178,711,082, C>T on the plus strand (G>A on the coding strand, the complement: TTN is on the minus strand). VCF-style: chr2-178711082-C-T. GRCh37 (hg19) VCF-style: chr2-179575809-C-T.
Other names: c.27203G>A, p.Ser9068Asn (NM_001256850.1); c.24422G>A, p.Ser8141Asn (NM_133378.4); c.13282+27000G>A (NM_003319.4); c.13858+27000G>A (NM_133437.4); c.13657+27000G>A (NM_133432.3); short protein forms S8141N, S9068N, S9385N.
Identifiers: ClinVar variation 1334570 (VCV001334570.4), dbSNP rs945228543, ClinGen allele CA60964297.